The following is an entry in ClinVar:

ClinVar aggregate classification (germline): Uncertain significance (1 of 4 stars; one submission).

Conditions:
SH2B1-related disorder. Also called: SH2B1-related condition.

gnomAD v4.1: 21 of 1,477,460 alleles (0.0014%); highest among the groups gnomAD compares: Non-Finnish European, 0.0019%; no homozygotes.

Submission:

PreventionGenetics, part of Exact Sciences
Classification: Uncertain significance for SH2B1-related condition. Last evaluated: 2026-01-22. Review status: criteria provided, single submitter. Criteria: ACMG Guidelines, 2015. Collection method: clinical testing. Allele origin: germline.
Comment: The SH2B1 c.2209G>C variant is predicted to result in the amino acid substitution p.Gly737Arg. To our knowledge, this variant has not been reported in the literature or in a large population database (gnomAD), indicating this variant is rare. At this time, the clinical significance of this variant is uncertain due to the absence of conclusive functional and genetic evidence.

NM_001387430.1(SH2B1):c.2209G>C (p.Gly737Arg)

Gene: SH2B1 (SH2B adaptor protein 1; plus strand). Cytogenetic location: 16p11.2.
Variant type: single nucleotide variant.
Coding change: c.2209G>C on transcript NM_001387430.1 (MANE Select); coding-DNA position 2209, G replaced by C.
Protein change: p.Gly737Arg; replaces glycine 737 with arginine.
Molecular consequence: missense variant. On other transcripts: 3 prime UTR variant (5).
Genome position (GRCh38, 1-based): chr16:28,873,758, G>C. VCF-style: chr16-28873758-G-C. GRCh37 (hg19) VCF-style: chr16-28885079-G-C.
Other names: c.2209G>C, p.Gly737Arg (NM_001145795.2, NM_001308293.2, NM_001387404.1); c.*293G>C (NM_001145796.2, NM_001145812.2, NM_001308294.2 and 1 more transcripts); c.*310G>C (NM_001145797.2); short protein forms G737R.
Identifiers: ClinVar variation 3350978 (VCV003350978.2).